The following is an entry in ClinVar:

NM_031220.4(PITPNM3):c.226+3G>C

Gene: PITPNM3 (PITPNM family member 3; minus strand). Cytogenetic location: 17p13.1.
Variant type: single nucleotide variant.
Coding change: c.226+3G>C on transcript NM_031220.4 (MANE Select); 3 bases into the intron after coding-DNA position 226, G replaced by C.
Molecular consequence: intron variant.
Genome position (GRCh38, 1-based): chr17:6,525,353, C>G on the plus strand (G>C on the coding strand, the complement: PITPNM3 is on the minus strand). VCF-style: chr17-6525353-C-G. GRCh37 (hg19) VCF-style: chr17-6428673-C-G.
Other names: c.118+12634G>C (NM_001165966.2).
Identifiers: ClinVar variation 4769945 (VCV004769945.1).

ClinVar aggregate classification (germline): Uncertain significance (1 of 4 stars; one submission).

Submission:

Labcorp Genetics (formerly Invitae), Labcorp
Classification: Uncertain significance. Last evaluated: 2025-10-07. Review status: criteria provided, single submitter. Criteria: Invitae Variant Classification Sherloc (09022015). Collection method: clinical testing. Allele origin: germline.
Comment: This sequence change falls in intron 3 of the PITPNM3 gene. It does not directly change the encoded amino acid sequence of the PITPNM3 protein. It affects a nucleotide within the consensus splice site. This variant is not present in population databases (gnomAD no frequency). This variant has not been reported in the literature in individuals affected with PITPNM3-related conditions. Variants that disrupt the consensus splice site are a relatively common cause of aberrant splicing (PMID: 17576681, 9536098). Algorithms developed to predict the effect of sequence changes on RNA splicing suggest that this variant is not likely to affect RNA splicing. In summary, the available evidence is currently insufficient to determine the role of this variant in disease. Therefore, it has been classified as a Variant of Uncertain Significance.

Literature cited by the submitters: PubMed 17576681; PubMed 9536098.